The following is an entry in ClinVar:

ClinVar aggregate classification (germline): Uncertain significance (1 of 4 stars; one submission).

Conditions:
Dilated cardiomyopathy 1II (CMD1II). Identifiers: Orphanet 154, MedGen C3554649, MONDO:0014073, OMIM 615184.

Submission:

Labcorp Genetics (formerly Invitae), Labcorp
Classification: Uncertain significance for Dilated cardiomyopathy 1II. Last evaluated: 2025-10-24. Review status: criteria provided, single submitter. Criteria: Invitae Variant Classification Sherloc (09022015). Collection method: clinical testing. Allele origin: germline.
Comment: This sequence change is expected to alter the c-terminus of the CRYAB protein (p.Pro148Asnfs*39). While this is not anticipated to result in nonsense mediated decay, it is expected to disrupt the last 28 amino acid(s) of the CRYAB protein and extend the protein by 10 additional amino acid residues. This variant is not present in population databases (gnomAD no frequency). This variant has not been reported in the literature in individuals affected with CRYAB-related conditions. Experimental studies and prediction algorithms are not available or were not evaluated, and the functional significance of this variant is currently unknown. In summary, the available evidence is currently insufficient to determine the role of this variant in disease. Therefore, it has been classified as a Variant of Uncertain Significance.

NM_001289808.2(CRYAB):c.440_441insGA (p.Pro148fs)

Gene: CRYAB (crystallin alpha B; minus strand). Cytogenetic location: 11q23.1.
Variant type: Insertion.
Coding change: c.440_441insGA on transcript NM_001289808.2 (MANE Select); coding-DNA positions 440 to 441, GA inserted.
Protein change: p.Pro148fs; shifts the reading frame from proline 148.
Molecular consequence: frameshift variant.
Genome position: GRCh38 VCF-style: chr11-111908851-T-TTC. GRCh37 (hg19) VCF-style: chr11-111779575-T-TTC.
Other names: c.440_441insGA, p.Pro148fs (NM_001289807.1, NM_001368245.1, NM_001885.3); c.239_240insGA, p.Pro81fs (NM_001330379.1, NM_001368246.1); short protein forms P81fs, P148fs.
Identifiers: ClinVar variation 4729811 (VCV004729811.1).